The following is an entry in ClinVar:

NM_002335.4(LRP5):c.3232C>T (p.Arg1078Ter)

Gene: LRP5 (LDL receptor related protein 5; plus strand). Cytogenetic location: 11q13.2.
Variant type: single nucleotide variant.
Coding change: c.3232C>T on transcript NM_002335.4 (MANE Select); coding-DNA position 3232, C replaced by T.
Protein change: p.Arg1078Ter; replaces arginine 1078 with a stop codon.
Molecular consequence: nonsense.
Genome position (GRCh38, 1-based): chr11:68,423,693, C>T. VCF-style: chr11-68423693-C-T. GRCh37 (hg19) VCF-style: chr11-68191161-C-T.
Other names: c.1489C>T, p.Arg497Ter (NM_001291902.2); short protein forms R1078*, R497*.
Identifiers: ClinVar variation 520845 (VCV000520845.12), dbSNP rs765402802, ClinGen allele CA381620985.
Genomic context (GRCh38, chr11:68,423,693, plus strand): 5'-ATGGGGGTGGTGCTGCGTGGGGACCGCGACAAGCCCAGGGCCATCGTCGTCAACGCGGAG[C>T]GAGGGTAGGAGGCCAACGGGTGGGTGGGGGTGCTGCCCGTCCAGGCGTGCCCGCCGTGTC-3'

ClinVar aggregate classification (germline): Pathogenic. Review status: criteria provided, multiple submitters, no conflicts (2 of 4 stars). 4 submissions from 4 submitters: Pathogenic (4). Last evaluated 2023-12-14.

Conditions:
Inborn genetic diseases. Identifiers: MedGen C0950123, MeSH D030342.
LRP5-related disorder. Also called: LRP5-related condition.
Exudative vitreoretinopathy 1 (EVR1). Also called: FEVR, AUTOSOMAL DOMINANT; Familial exudative vitreoretinopathy, autosomal dominant; CRISWICK-SCHEPENS SYNDROME. Identifiers: Orphanet 891, Orphanet 90050, MedGen C1851402, MONDO:0007589, OMIM 133780.

Submissions (4):

Illumina Laboratory Services, Illumina
Classification: Pathogenic for Exudative vitreoretinopathy 1. Last evaluated: 2023-12-14. Review status: criteria provided, single submitter. Criteria: ICSLVariantClassificationCriteria RUGD 01 April 2020. Collection method: clinical testing. Allele origin: unknown.
Comment: The LRP5 c.3232C>T (p.Arg1078Ter) nonsense variant results in the loss of normal protein function through either protein truncation or nonsense-mediated mRNA decay. This variant has been identified in an individual with familial exudative vitreoretinopathy (FEVR) and segregated with disease in an affected parent (PMID: 35277167). This variant has also been observed in a compound heterozygous state in four individuals, from two unrelated families affected with severe FEVR and osteoporosis-pseudoglioma syndrome (OPPG), with some parents heterozygous for the variant reported as unaffected (PMID: 16252235; 35417292). This variant is not observed in version 2.1.1 or version 4.0.0 of the Genome Aggregation Database. Based on the available evidence, the c.3232C>T (p.Arg1078Ter) variant is classified as pathogenic for LRP5-related exudative vitreoretinopathy with or without osteoporosis.

Labcorp Genetics (formerly Invitae), Labcorp
Classification: Pathogenic. Last evaluated: 2022-11-08. Review status: criteria provided, single submitter. Criteria: Invitae Variant Classification Sherloc (09022015). Collection method: clinical testing. Allele origin: germline.
Comment: For these reasons, this variant has been classified as Pathogenic. Algorithms developed to predict the effect of sequence changes on RNA splicing suggest that this variant may create or strengthen a splice site. ClinVar contains an entry for this variant (Variation ID: 520845). This premature translational stop signal has been observed in individual(s) with osteoporosis-pseudoglioma syndrome (PMID: 16252235). This variant is not present in population databases (gnomAD no frequency). This sequence change creates a premature translational stop signal (p.Arg1078*) in the LRP5 gene. It is expected to result in an absent or disrupted protein product. Loss-of-function variants in LRP5 are known to be pathogenic (PMID: 11719191, 16252235, 25711638).

Blueprint Genetics
Classification: Pathogenic for LRP5-related disorders. Last evaluated: 2022-04-28. Review status: criteria provided, single submitter. Criteria: ACMG Guidelines, 2015. Collection method: clinical testing. Allele origin: germline. Affected: yes. Observed: 3 variant alleles.

Ambry Genetics
Classification: Pathogenic for Inborn genetic diseases. Last evaluated: 2015-10-21. Review status: criteria provided, single submitter. Criteria: Ambry exome assertion method (8-5-2015). Collection method: clinical testing. Allele origin: germline. Affected: yes. Observed: 1 variant allele.

Literature cited by the submitters: PubMed 35277167 (cited by Illumina Laboratory Services, Illumina); PubMed 16252235 (cited by Illumina Laboratory Services, Illumina and Labcorp Genetics (formerly Invitae), Labcorp); PubMed 35417292 (cited by Illumina Laboratory Services, Illumina); PubMed 11719191 (cited by Labcorp Genetics (formerly Invitae), Labcorp); PubMed 25711638 (cited by Labcorp Genetics (formerly Invitae), Labcorp).